The following is an entry in ClinVar:

NM_001375905.1(SGMS2):c.1058G>A (p.Arg353Gln)

Genes: CYP2U1-AS1 (CYP2U1 and SGMS2 antisense RNA 1; minus strand), SGMS2 (sphingomyelin synthase 2; plus strand). Cytogenetic location: 4q25.
Variant type: single nucleotide variant.
Coding change: c.1058G>A on transcript NM_001375905.1 (MANE Select); coding-DNA position 1058, G replaced by A.
Protein change: p.Arg353Gln; replaces arginine 353 with glutamine.
Molecular consequence: missense variant. On other transcripts: 3 prime UTR variant (1).
Genome position (GRCh38, 1-based): chr4:107,910,513, G>A. VCF-style: chr4-107910513-G-A. GRCh37 (hg19) VCF-style: chr4-108831669-G-A.
Other names: c.1058G>A, p.Arg353Gln (NM_001136257.2, NM_001136258.2, NM_001375906.1 and 3 more transcripts); c.*162G>A (NM_001375910.1); c.539G>A, p.Arg180Gln (NM_001375911.1); c.1058G>A (NM_152621.5); short protein forms R180Q, R353Q.
Identifiers: ClinVar variation 2634483 (VCV002634483.2), dbSNP rs1327139774, ClinGen allele CA357829191.
Genomic context (GRCh38, chr4:107,910,513, plus strand): 5'-TCTCCTGGCCGCTGTCTTGGCCTCCTGGCTGCTTCAAATCATCATGCAAAAAGTATTCAC[G>A]GGTTCAGAAGATTGGTGAAGACAATGAGAAATCGACCTGAGGAGCAAAACAAAGGCATCA-3'
Protein context (NP_001362834.1, residues 343-363): CFKSSCKKYS[Arg353Gln]VQKIGEDNEK

ClinVar aggregate classification (germline): Uncertain significance. Review status: criteria provided, multiple submitters, no conflicts (2 of 4 stars). 2 submissions from 2 submitters: Uncertain significance (2). Last evaluated 2025-07-31.

Conditions:
SGMS2-related disorder. Also called: SGMS2-related condition.
Inborn genetic diseases. Identifiers: MedGen C0950123, MeSH D030342.

Allele frequency attached by ClinVar (database versions not stated): gnomAD 0.00001; gnomAD exomes 0.00001; TOPMed 0.00001.
gnomAD v4.1: 17 of 1,613,832 alleles (0.0011%); highest among the groups gnomAD compares: Admixed American, 0.0017%; no homozygotes.

Submissions (2):

Ambry Genetics
Classification: Uncertain significance for Inborn genetic diseases. Last evaluated: 2025-07-31. Review status: criteria provided, single submitter. Criteria: Ambry Variant Classification Scheme 2023. Collection method: clinical testing. Allele origin: germline.

PreventionGenetics, part of Exact Sciences
Classification: Uncertain significance for SGMS2-related condition. Last evaluated: 2023-09-27. Review status: criteria provided, single submitter. Criteria: ACMG Guidelines, 2015. Collection method: clinical testing. Allele origin: germline.
Comment: The SGMS2 c.1058G>A variant is predicted to result in the amino acid substitution p.Arg353Gln. To our knowledge, this variant has not been reported in the literature. This variant is reported in 0.0028% of alleles in individuals of Latino descent in gnomAD. At this time, the clinical significance of this variant is uncertain due to the absence of conclusive functional and genetic evidence.